The following is an entry in ClinVar:

NM_001673.5(ASNS):c.1209_1211delinsGCA (p.Arg404His)

Genes: ASNS (asparagine synthetase (glutamine-hydrolyzing); minus strand), CZ1P-ASNS (CZ1P-ASNS readthrough; minus strand). Cytogenetic location: 7q21.3.
Variant type: Indel.
Coding change: c.1209_1211delinsGCA on transcript NM_001673.5 (MANE Select); coding-DNA positions 1209 to 1211, CCG replaced by GCA.
Protein change: p.Arg404His; replaces arginine 404 with histidine.
Molecular consequence: missense variant. On other transcripts: non-coding transcript variant (1).
Genome position (GRCh38, 1-based): chr7:97,854,607-97,854,609, CGG replaced by TGC on the plus strand (CCG replaced by GCA on the coding strand, the reverse complement: ASNS is on the minus strand). VCF-style: chr7-97854607-CGG-TGC. GRCh37 (hg19) VCF-style: chr7-97483919-CGG-TGC.
Other names: c.1209_1211delinsGCA, p.Arg404His (NM_133436.3, NM_183356.4, NM_001352496.2); c.1146_1148delinsGCA, p.Arg383His (NM_001178075.2); c.960_962delinsGCA, p.Arg321His (NM_001178076.2, NM_001178077.1); short protein forms R321H, R383H, R404H.
Identifiers: ClinVar variation 2577189 (VCV002577189.1), dbSNP rs2484636604, ClinGen allele CA2580615946.

ClinVar aggregate classification (germline): Pathogenic (1 of 4 stars; one submission).

Conditions:
Congenital microcephaly - severe encephalopathy - progressive cerebral atrophy syndrome. Also called: Asparagine synthetase deficiency; ASNS DEFICIENCY. Identifiers: Orphanet 391376, MedGen C3809971, MONDO:0014258, OMIM 615574.

Submission:

Women's Health and Genetics/Laboratory Corporation of America, LabCorp
Classification: Pathogenic for Congenital microcephaly - severe encephalopathy - progressive cerebral atrophy syndrome. Last evaluated: 2023-07-28. Review status: criteria provided, single submitter. Criteria: LabCorp Variant Classification Summary - May 2015. Collection method: clinical testing. Allele origin: germline.
Comment: Variant summary: ASNS c.1209_1211delinsGCA (p.Arg404His) is a multinucleotide variant combination of c.1209C>G (p.Leu403=) and c.1211G>A (p.Arg404His). This results in a non-conservative amino acid change located in the Asparagine synthase (IPR001962) of the encoded protein sequence. Four of five in-silico tools predict a damaging effect of the variant on protein function. The c.1211G>A variant allele was found at a frequency of 5.3e-05 in 282788 control chromosomes. This frequency is not significantly higher than estimated for a pathogenic variant in ASNS causing Asparagine Synthetase Deficiency (5.3e-05 vs 0.0011), allowing no conclusion about variant significance. Although c.1209_1211delinsGCA has not been reported in the literature, c.1211G>A (p.Arg404His) has been reported in multiple individuals affected with features of Asparagine Synthetase Deficiency (example, Shamseldin_2017, Galada_2018, Shaheen_2019, Alharby_2020). These data indicate that the variant is very likely to be associated with disease. To our knowledge, no experimental evidence demonstrating an impact on protein function has been reported. The following publications have been ascertained in the context of this evaluation (PMID: 27711071, 29405484, 30214071, 32741967, 34645488). No submitters have cited clinical-significance assessments for this variant to ClinVar after 2014. However, multiple submitters have cited the clinical significance of c.1211G>A (p.Arg404His) as pathogenic/likely pathogenic. Based on the evidence outlined above, the variant was classified as pathogenic.

Literature cited by the submitters: PubMed 34645488; PubMed 32741967; PubMed 29405484; PubMed 30214071; PubMed 27711071.